The following is an entry in ClinVar:

NM_004667.6(HERC2):c.10424C>T (p.Ser3475Phe)

Gene: HERC2 (HECT and RLD domain containing E3 ubiquitin protein ligase 2; minus strand). Cytogenetic location: 15q13.1.
Variant type: single nucleotide variant.
Coding change: c.10424C>T on transcript NM_004667.6 (MANE Select); coding-DNA position 10424, C replaced by T.
Protein change: p.Ser3475Phe; replaces serine 3475 with phenylalanine.
Molecular consequence: missense variant.
Genome position (GRCh38, 1-based): chr15:28,167,817, G>A on the plus strand (C>T on the coding strand, the complement: HERC2 is on the minus strand). VCF-style: chr15-28167817-G-A. GRCh37 (hg19) VCF-style: chr15-28412963-G-A.
Other names: short protein forms S3475F.
Identifiers: ClinVar variation 931262 (VCV000931262.9), dbSNP rs148150960, ClinGen allele CA7440839.

ClinVar aggregate classification (germline): Uncertain significance. Review status: criteria provided, multiple submitters, no conflicts (2 of 4 stars). 4 submissions from 4 submitters: Uncertain significance (4). Last evaluated 2025-06-20.

Conditions:
Prader-Willi syndrome (PWS). Identifiers: Orphanet 739, MedGen C0032897, MONDO:0008300, OMIM 176270. Disease mechanism: Microdeletion, loss of function. Inheritance: Microdletion.

Allele frequency attached by ClinVar (database versions not stated): 1000 Genomes Project 30x 0.00016; ESP Exome Variant Server 0.00031; 1000 Genomes Project 0.00020; gnomAD exomes 0.00023 and 0.00024; TOPMed 0.00017; ExAC 0.00023; gnomAD 0.00029 and 0.00031.
gnomAD v4.1: 389 of 1,613,044 alleles (0.024%); highest among the groups gnomAD compares: Non-Finnish European, 0.028%; no homozygotes.

Submissions (4):

GeneDx
Classification: Uncertain significance. Last evaluated: 2025-06-20. Review status: criteria provided, single submitter. Criteria: GeneDx Variant Classification Process June 2021. Collection method: clinical testing. Allele origin: germline. Affected: yes.
Comment: In silico analysis suggests that this missense variant does not alter protein structure/function; Has not been previously published as pathogenic or benign to our knowledge

Revvity Omics, Revvity
Classification: Uncertain significance. Last evaluated: 2025-05-12. Review status: criteria provided, single submitter. Criteria: ACMG Guidelines, 2015. Collection method: clinical testing. Allele origin: germline.

Blueprint Genetics
Classification: Uncertain significance. Last evaluated: 2024-11-27. Review status: criteria provided, single submitter. Criteria: ACMG Guidelines, 2015. Collection method: clinical testing. Allele origin: germline.

Centre for Mendelian Genomics, University Medical Centre Ljubljana
Classification: Uncertain significance for Prader-Willi syndrome. Last evaluated: 2020-01-28. Review status: criteria provided, single submitter. Criteria: ACMG Guidelines, 2015. Collection method: clinical testing. Allele origin: unknown. Affected: yes.
Comment: This variant was classified as: Uncertain significance. The available evidence on this variant's pathogenicity is insufficient or conflicting. The following ACMG criteria were applied in classifying this variant: No criteria apply.